The following is an entry in ClinVar:

NM_001458.5(FLNC):c.4366G>A (p.Gly1456Ser)

Gene: FLNC (filamin C; plus strand). Cytogenetic location: 7q32.1.
Variant type: single nucleotide variant.
Coding change: c.4366G>A on transcript NM_001458.5 (MANE Select); coding-DNA position 4366, G replaced by A.
Protein change: p.Gly1456Ser; replaces glycine 1456 with serine.
Molecular consequence: missense variant.
Genome position (GRCh38, 1-based): chr7:128,847,774, G>A. VCF-style: chr7-128847774-G-A. GRCh37 (hg19) VCF-style: chr7-128487828-G-A.
Other names: c.4366G>A, p.Gly1456Ser (NM_001127487.2); short protein forms G1456S.
Identifiers: ClinVar variation 1740049 (VCV001740049.2), dbSNP rs749357533, ClinGen allele CA4475319.

ClinVar aggregate classification (germline): Uncertain significance (1 of 4 stars; one submission).

Conditions:
Cardiovascular phenotype. Identifiers: MedGen CN230736.

Allele frequency attached by ClinVar (database versions not stated): gnomAD 0.00001; TOPMed 0.00001.
gnomAD v4.1: 1 of 1,614,010 alleles (0.000062%); highest among the groups gnomAD compares: African/African-American, 0.0013%; no homozygotes.

Submission:

Ambry Genetics
Classification: Uncertain significance for Cardiovascular phenotype. Last evaluated: 2021-05-21. Review status: criteria provided, single submitter. Criteria: Ambry Variant Classification Scheme 2023. Collection method: clinical testing. Allele origin: germline.
Comment: The p.G1456S variant (also known as c.4366G>A), located in coding exon 25 of the FLNC gene, results from a G to A substitution at nucleotide position 4366. The glycine at codon 1456 is replaced by serine, an amino acid with similar properties. This amino acid position is well conserved in available vertebrate species. In addition, the in silico prediction for this alteration is inconclusive. Since supporting evidence is limited at this time, the clinical significance of this alteration remains unclear.